The following is an entry in ClinVar:

ClinVar aggregate classification (germline): Conflicting classifications of pathogenicity. Review status: criteria provided, conflicting classifications (1 of 4 stars). 4 submissions from 4 submitters: Uncertain significance (3); Likely benign (1). Last evaluated 2025-05-22.

Conditions:
Deficiency of cytochrome-b5 reductase. Also called: METHEMOGLOBINEMIA, CONGENITAL, AUTOSOMAL RECESSIVE; NADH-DEPENDENT METHEMOGLOBIN REDUCTASE DEFICIENCY. Identifiers: Orphanet 621, MedGen C0268193, MONDO:0009606, OMIM 250800.

Allele frequency attached by ClinVar (database versions not stated): TOPMed 0.00020; gnomAD 0.00029; ExAC 0.00048.
gnomAD v4.1: 471 of 1,613,198 alleles (0.029%); highest among the groups gnomAD compares: Non-Finnish European, 0.034%; no homozygotes.

Submissions (4):

ARUP Laboratories, Molecular Genetics and Genomics, ARUP Laboratories
Classification: Uncertain significance. Last evaluated: 2025-05-22. Review status: criteria provided, single submitter. Criteria: ARUP Molecular Germline Variant Investigation Process 2024. Collection method: clinical testing. Allele origin: germline.
Comment: The CYB5R3 c.472G>A; p.Ala158Thr variant (rs75478217), to our knowledge, is not reported in the medical literature but is reported in ClinVar (Variation ID: 2688907). This variant is found in the non-Finnish European population with an allele frequency of 0.06% (79/129142 alleles) in the Genome Aggregation Database (v2.1.1). Computational analyses are uncertain whether this variant is neutral or deleterious (REVEL: 0.569). Due to limited information, the clinical significance of this variant is uncertain at this time.

Labcorp Genetics (formerly Invitae), Labcorp
Classification: Likely benign. Last evaluated: 2025-05-14. Review status: criteria provided, single submitter. Criteria: Invitae Variant Classification Sherloc (09022015). Collection method: clinical testing. Allele origin: germline.

CeGaT Center for Human Genetics Tuebingen
Classification: Uncertain significance. Last evaluated: 2024-11-01. Review status: criteria provided, single submitter. Criteria: CeGaT Center For Human Genetics Tuebingen Variant Classification Criteria Version 2. Collection method: clinical testing. Allele origin: germline. Affected: yes. Observed: 1 variant allele.
Comment: CYB5R3: PM2

Revvity Omics, Revvity
Classification: Uncertain significance for Deficiency of cytochrome-b5 reductase. Last evaluated: 2024-09-13. Review status: criteria provided, single submitter. Criteria: ACMG Guidelines, 2015. Collection method: clinical testing. Allele origin: germline.

NM_000398.7(CYB5R3):c.472G>A (p.Ala158Thr)

Gene: CYB5R3 (cytochrome b5 reductase 3; minus strand). Cytogenetic location: 22q13.2.
Variant type: single nucleotide variant.
Coding change: c.472G>A on transcript NM_000398.7 (MANE Select); coding-DNA position 472, G replaced by A.
Protein change: p.Ala158Thr; replaces alanine 158 with threonine.
Molecular consequence: missense variant.
Genome position (GRCh38, 1-based): chr22:42,627,680, C>T on the plus strand (G>A on the coding strand, the complement: CYB5R3 is on the minus strand). VCF-style: chr22-42627680-C-T. GRCh37 (hg19) VCF-style: chr22-43023686-C-T.
Other names: c.472G>A, p.Ala158Thr (NM_001031678.1); c.403G>A, p.Ala135Thr (NM_001129819.2, NM_001171661.1, NM_007326.4); c.571G>A, p.Ala191Thr (NM_001171660.2); short protein forms A135T, A158T, A191T.
Identifiers: ClinVar variation 2688907 (VCV002688907.18), dbSNP rs75478217, ClinGen allele CA10269725.